The following is an entry in ClinVar:

NM_000142.5(FGFR3):c.931-776C>T

Gene: FGFR3 (fibroblast growth factor receptor 3; plus strand). Cytogenetic location: 4p16.3.
Variant type: single nucleotide variant.
Coding change: c.931-776C>T on transcript NM_000142.5 (MANE Select); 776 bases into the intron before coding-DNA position 931, C replaced by T.
Molecular consequence: intron variant. On other transcripts: synonymous variant (1), non-coding transcript variant (1).
Genome position (GRCh38, 1-based): chr4:1,802,916, C>T. VCF-style: chr4-1802916-C-T. GRCh37 (hg19) VCF-style: chr4-1804643-C-T.
Other names: c.933C>T, p.Ser311= (NM_001163213.2); c.931-776C>T (NM_001354809.2, NM_001354810.2); c.930+891C>T (NM_022965.4).
Identifiers: ClinVar variation 3045084 (VCV003045084.9), dbSNP rs759963900, ClinGen allele CA2810058.

ClinVar aggregate classification (germline): Likely benign. Review status: criteria provided, multiple submitters, no conflicts (2 of 4 stars). 3 submissions from 3 submitters: Likely benign (2). 1 of the submissions does not count toward it. Last evaluated 2026-05-01.

Conditions:
FGFR3-related disorder. Also called: FGFR3-related disorders.

Allele frequency attached by ClinVar (database versions not stated): gnomAD exomes 0.00003; ExAC 0.00005; gnomAD 0.00005; TOPMed 0.00008.
gnomAD v4.1: 63 of 1,594,912 alleles (0.004%); highest among the groups gnomAD compares: Middle Eastern, 0.05%; 1 homozygote.

Submissions (3):

CeGaT Center for Human Genetics Tuebingen
Classification: Likely benign. Last evaluated: 2026-05-01. Review status: criteria provided, single submitter. Criteria: CeGaT Center For Human Genetics Tuebingen Variant Classification Criteria Version 2. Collection method: clinical testing. Allele origin: germline. Affected: yes. Observed: 2 variant alleles.
Comment: FGFR3: BP4, BP7

Blueprint Genetics
Classification: Likely benign. Last evaluated: 2024-10-24. Review status: criteria provided, single submitter. Criteria: ACMG Guidelines, 2015. Collection method: clinical testing. Allele origin: germline.

PreventionGenetics, part of Exact Sciences
Classification: Likely benign for FGFR3-related condition. Last evaluated: 2023-12-12. Review status: no assertion criteria provided. Collection method: clinical testing. Allele origin: germline. Not counted in ClinVar's aggregate classification.
Comment: This variant is classified as likely benign based on ACMG/AMP sequence variant interpretation guidelines (Richards et al. 2015 PMID: 25741868, with internal and published modifications).